The following is an entry in ClinVar:

ClinVar aggregate classification (germline): Uncertain significance (1 of 4 stars; one submission).

gnomAD v4.1: 5 of 1,614,000 alleles (0.00031%); highest among the groups gnomAD compares: East Asian, 0.0022%; no homozygotes.

Submission:

GeneDx
Classification: Uncertain significance. Last evaluated: 2025-06-20. Review status: criteria provided, single submitter. Criteria: GeneDx Variant Classification Process June 2021. Collection method: clinical testing. Allele origin: germline. Affected: yes.
Comment: In silico analysis supports that this missense variant has a deleterious effect on protein structure/function; Has not been previously published as pathogenic or benign to our knowledge

NM_001162501.2(TNRC6B):c.4891C>T (p.Arg1631Trp)

Gene: TNRC6B (trinucleotide repeat containing adaptor 6B; plus strand). Cytogenetic location: 22q13.1.
Variant type: single nucleotide variant.
Coding change: c.4891C>T on transcript NM_001162501.2 (MANE Select); coding-DNA position 4891, C replaced by T.
Protein change: p.Arg1631Trp; replaces arginine 1631 with tryptophan.
Molecular consequence: missense variant.
Genome position (GRCh38, 1-based): chr22:40,315,495, C>T. VCF-style: chr22-40315495-C-T. GRCh37 (hg19) VCF-style: chr22-40711499-C-T.
Other names: c.2479C>T, p.Arg827Trp (NM_001024843.2); c.4561C>T, p.Arg1521Trp (NM_015088.3); short protein forms R1521W, R1631W, R827W.
Identifiers: ClinVar variation 4540063 (VCV004540063.1).
Genomic context (GRCh38, chr22:40,315,495, plus strand): 5'-TCATCTCCCTGGAGCAGCACAGCACCCCGATCAGTCAGGGGGTGGGGGACACAGGACTCA[C>T]GGCTCGCCTCGGGTGAGGAGGATCTGCCTAAAGGAACACCATTGTTCATCCACAAGGGGC-3'
Protein context (NP_001155973.1, residues 1621-1641): SVRGWGTQDS[Arg1631Trp]LASASTWSDG